The following is an entry in ClinVar:

ClinVar aggregate classification (germline): Uncertain significance. Review status: criteria provided, multiple submitters, no conflicts (2 of 4 stars). 2 submissions from 2 submitters: Uncertain significance (2). Last evaluated 2024-08-10.

Conditions:
Inborn genetic diseases. Identifiers: MedGen C0950123, MeSH D030342.

Submissions (2):

Labcorp Genetics (formerly Invitae), Labcorp
Classification: Uncertain significance. Last evaluated: 2024-08-10. Review status: criteria provided, single submitter. Criteria: Invitae Variant Classification Sherloc (09022015). Collection method: clinical testing. Allele origin: germline.
Comment: This sequence change replaces threonine, which is neutral and polar, with isoleucine, which is neutral and non-polar, at codon 521 of the ZMIZ1 protein (p.Thr521Ile). This variant is present in population databases (no rsID available, gnomAD 0.002%). This variant has not been reported in the literature in individuals affected with ZMIZ1-related conditions. ClinVar contains an entry for this variant (Variation ID: 2079661). Advanced modeling of protein sequence and biophysical properties (such as structural, functional, and spatial information, amino acid conservation, physicochemical variation, residue mobility, and thermodynamic stability) performed at Invitae indicates that this missense variant is expected to disrupt ZMIZ1 protein function with a positive predictive value of 80%. In summary, the available evidence is currently insufficient to determine the role of this variant in disease. Therefore, it has been classified as a Variant of Uncertain Significance.

Ambry Genetics
Classification: Uncertain significance for Inborn genetic diseases. Last evaluated: 2024-07-26. Review status: criteria provided, single submitter. Criteria: Ambry Variant Classification Scheme 2023. Collection method: clinical testing. Allele origin: germline.

NM_020338.4(ZMIZ1):c.1562C>T (p.Thr521Ile)

Gene: ZMIZ1 (zinc finger MIZ-type containing 1; plus strand). Cytogenetic location: 10q22.3.
Variant type: single nucleotide variant.
Coding change: c.1562C>T on transcript NM_020338.4 (MANE Select); coding-DNA position 1562, C replaced by T.
Protein change: p.Thr521Ile; replaces threonine 521 with isoleucine.
Molecular consequence: missense variant.
Genome position (GRCh38, 1-based): chr10:79,298,476, C>T. VCF-style: chr10-79298476-C-T. GRCh37 (hg19) VCF-style: chr10-81058233-C-T.
Other names: c.1562C>T (NM_020338.3); short protein forms T521I.
Identifiers: ClinVar variation 2079661 (VCV002079661.5), dbSNP rs546657923, ClinGen allele CA377337346.